The following is an entry in ClinVar:

ClinVar aggregate classification (germline): Uncertain significance. Review status: criteria provided, multiple submitters, no conflicts (2 of 4 stars). 3 submissions from 3 submitters: Uncertain significance (3). Last evaluated 2025-01-15.

Allele frequency attached by ClinVar (database versions not stated): ExAC 0.00008; 1000 Genomes Project 0.00040; 1000 Genomes Project 30x 0.00062.
gnomAD v4.1: 39 of 1,613,834 alleles (0.0024%); highest among the groups gnomAD compares: East Asian, 0.085%; no homozygotes.

Submissions (3):

Labcorp Genetics (formerly Invitae), Labcorp
Classification: Uncertain significance. Last evaluated: 2025-01-15. Review status: criteria provided, single submitter. Criteria: Invitae Variant Classification Sherloc (09022015). Collection method: clinical testing. Allele origin: germline.
Comment: This sequence change replaces aspartic acid, which is acidic and polar, with histidine, which is basic and polar, at codon 644 of the WHRN protein (p.Asp644His). This variant is present in population databases (rs201707482, gnomAD 0.1%). This variant has not been reported in the literature in individuals affected with WHRN-related conditions. ClinVar contains an entry for this variant (Variation ID: 1301305). An algorithm developed to predict the effect of missense changes on protein structure and function (PolyPhen-2) suggests that this variant¬†is likely to be tolerated. In summary, the available evidence is currently insufficient to determine the role of this variant in disease. Therefore, it has been classified as a Variant of Uncertain Significance.

Blueprint Genetics
Classification: Uncertain significance. Last evaluated: 2023-04-17. Review status: criteria provided, single submitter. Criteria: ACMG Guidelines, 2015. Collection method: clinical testing. Allele origin: germline.

GeneDx
Classification: Uncertain significance. Last evaluated: 2021-04-19. Review status: criteria provided, single submitter. Criteria: GeneDx Variant Classification Process June 2021. Collection method: clinical testing. Allele origin: germline. Affected: yes.
Comment: In silico analysis supports that this missense variant does not alter protein structure/function; Has not been previously published as pathogenic or benign to our knowledge

NM_015404.4(WHRN):c.1930G>C (p.Asp644His)

Gene: WHRN (whirlin; minus strand). Cytogenetic location: 9q32.
Variant type: single nucleotide variant.
Coding change: c.1930G>C on transcript NM_015404.4 (MANE Select); coding-DNA position 1930, G replaced by C.
Protein change: p.Asp644His; replaces aspartic acid 644 with histidine.
Molecular consequence: missense variant.
Genome position (GRCh38, 1-based): chr9:114,406,661, C>G on the plus strand (G>C on the coding strand, the complement: WHRN is on the minus strand). VCF-style: chr9-114406661-C-G. GRCh37 (hg19) VCF-style: chr9-117168941-C-G.
Other names: c.781G>C, p.Asp261His (NM_001083885.3); c.1930G>C, p.Asp644His (NM_001173425.2); c.877G>C, p.Asp293His (NM_001346890.1); short protein forms D261H, D293H, D644H.
Identifiers: ClinVar variation 1301305 (VCV001301305.6), dbSNP rs201707482, ClinGen allele CA5205779.
Genomic context (GRCh38, chr9:114,406,661, plus strand): 5'-GCCTCTTGGAGCTGGGGTTGGCAGGGGAGACGGAGGCATAGATGGGGGAAGAGGGCAAGT[C>G]CTGTGCAGAGGAGGTCCCTGGGGTGGGTGCGGTGCCCGCTGGCGGGCTGCGGTTCTGTGG-3'
Protein context (NP_056219.3, residues 634-654): APTPGTSSAQ[Asp644His]LPSSPIYASV